The following is an entry in ClinVar:

ClinVar aggregate classification (germline): Likely pathogenic (1 of 4 stars; one submission).

Conditions:
Osteogenesis imperfecta type I (OI1). Also called: Osteogenesis imperfecta type 1; Classic Non-deforming Osteogenesis Imperfecta with Blue Sclerae; Lobstein disease; OI, TYPE I; OSTEOGENESIS IMPERFECTA TARDA; OSTEOGENESIS IMPERFECTA WITH BLUE SCLERAE. Identifiers: Orphanet 216796, Orphanet 666, MedGen C0023931, MONDO:0008146, OMIM 166200. Disease mechanism: loss of function.

Submission:

Labcorp Genetics (formerly Invitae), Labcorp
Classification: Likely pathogenic for Osteogenesis imperfecta type I. Last evaluated: 2022-07-11. Review status: criteria provided, single submitter. Criteria: Invitae Variant Classification Sherloc (09022015). Collection method: clinical testing. Allele origin: germline.
Comment: Advanced modeling of protein sequence and biophysical properties (such as structural, functional, and spatial information, amino acid conservation, physicochemical variation, residue mobility, and thermodynamic stability) performed at Invitae indicates that this missense variant is expected to disrupt COL1A1 protein function. This variant has not been reported in the literature in individuals affected with COL1A1-related conditions. This variant is not present in population databases (gnomAD no frequency). This sequence change replaces glycine, which is neutral and non-polar, with aspartic acid, which is acidic and polar, at codon 857 of the COL1A1 protein (p.Gly857Asp). This variant disrupts the triple helix domain of COL1A1. Glycine residues within the Gly-Xaa-Yaa repeats of the triple helix domain are required for the structure and stability of fibrillar collagens (PMID: 7695699, 8218237, 19344236). In COL1A1, variants affecting these glycine residues are significantly enriched in individuals with disease (PMID: 9016532, 17078022) compared to the general population (ExAC). In summary, the currently available evidence indicates that the variant is pathogenic, but additional data are needed to prove that conclusively. Therefore, this variant has been classified as Likely Pathogenic.

Literature cited by the submitters: PubMed 7695699; PubMed 8218237; PubMed 19344236; PubMed 9016532; PubMed 17078022.

NM_000088.4(COL1A1):c.2570G>A (p.Gly857Asp)

Gene: COL1A1 (collagen type I alpha 1 chain; minus strand). Cytogenetic location: 17q21.33.
Variant type: single nucleotide variant.
Coding change: c.2570G>A on transcript NM_000088.4 (MANE Select); coding-DNA position 2570, G replaced by A.
Protein change: p.Gly857Asp; replaces glycine 857 with aspartic acid.
Molecular consequence: missense variant.
Genome position (GRCh38, 1-based): chr17:50,189,902, C>T on the plus strand (G>A on the coding strand, the complement: COL1A1 is on the minus strand). VCF-style: chr17-50189902-C-T. GRCh37 (hg19) VCF-style: chr17-48267263-C-T.
Other names: short protein forms G857D.
Identifiers: ClinVar variation 2015948 (VCV002015948.4), dbSNP rs2509187318, ClinGen allele CA400207357.